The following is an entry in ClinVar:

NM_004415.4(DSP):c.1285del (p.Glu430fs)

Gene: DSP (desmoplakin; plus strand). Cytogenetic location: 6p24.3.
Variant type: Deletion.
Coding change: c.1285del on transcript NM_004415.4 (MANE Select); coding-DNA position 1285, one base deleted (C; older notation c.1285delC).
Protein change: p.Glu430fs; shifts the reading frame from glutamic acid 430.
Molecular consequence: frameshift variant.
Genome position (GRCh38, 1-based): chr6:7,568,455, C deleted; the last of 2 consecutive C bases (chr6:7,568,454-7,568,455); deleting either gives the same sequence. VCF-style (leftmost placement, unchanged base first): chr6-7568453-TC-T. GRCh37 (hg19) VCF-style: chr6-7568686-TC-T.
Other names: c.1285del, p.Glu430fs (NM_001008844.3, NM_001319034.2, NM_001406591.1); short protein forms E430fs.
Identifiers: ClinVar variation 4015106 (VCV004015106.1).

ClinVar aggregate classification (germline): Pathogenic (1 of 4 stars; one submission).

Conditions:
Cardiovascular phenotype. Identifiers: MedGen CN230736.

Submission:

Ambry Genetics
Classification: Pathogenic for Cardiovascular phenotype. Last evaluated: 2025-06-11. Review status: criteria provided, single submitter. Criteria: Ambry Variant Classification Scheme 2023. Collection method: clinical testing. Allele origin: germline.
Comment: The c.1285delC pathogenic mutation, located in coding exon 11 of the DSP gene, results from a deletion of one nucleotide at nucleotide position 1285, causing a translational frameshift with a predicted alternate stop codon (p.E430Nfs*10). Alterations in DSP that result in haploinsufficiency or protein truncation have been reported in patients with arrhythmogenic right ventricular cardiomyopathy (ARVC) and dilated cardiomyopathy (DCM) (Fressart V et al. Europace. 2010;12(6):861-8; Elliott P et al. Circ Cardiovasc Genet. 2010;3(4):314-22; Quarta G et al. Circulation. 2011;123(23):2701-9; Garcia-Pavia P et al. Heart. 2011;97(21):1744-52; Rasmussen TB et al. Clin Genet. 2013;84(1):20-30; Pugh TJ et al. Genet Med. 2014;16(8):601-8). This variant is considered to be rare based on population cohorts in the Genome Aggregation Database (gnomAD). This alteration is expected to result in loss of function by premature protein truncation or nonsense-mediated mRNA decay. Based on the supporting evidence, this variant is interpreted as a disease-causing mutation.